The following is an entry in ClinVar:

NM_024491.4(CEP70):c.1425G>A (p.Lys475=)

Gene: CEP70 (centrosomal protein 70; minus strand). Cytogenetic location: 3q22.3.
Variant type: single nucleotide variant.
Coding change: c.1425G>A on transcript NM_024491.4 (MANE Select); coding-DNA position 1425, G replaced by A.
Protein change: p.Lys475=; no amino-acid change (lysine 475 retained).
Molecular consequence: synonymous variant.
Genome position (GRCh38, 1-based): chr3:138,500,511, C>T on the plus strand (G>A on the coding strand, the complement: CEP70 is on the minus strand). VCF-style: chr3-138500511-C-T. GRCh37 (hg19) VCF-style: chr3-138219353-C-T.
Other names: c.1371G>A, p.Lys457= (NM_001288964.2); c.1365G>A, p.Lys455= (NM_001288965.2); c.1425G>A, p.Lys475= (NM_001288966.2, NM_001320598.2, NM_001320599.2); c.969G>A, p.Lys323= (NM_001288967.2).
Identifiers: ClinVar variation 2654191 (VCV002654191.24), dbSNP rs148908930, ClinGen allele CA2638206.

ClinVar aggregate classification (germline): Likely benign (1 of 4 stars; one submission).

Allele frequency attached by ClinVar (database versions not stated): 1000 Genomes Project 30x 0.00094; 1000 Genomes Project 0.00100; ExAC 0.00475; TOPMed 0.00527; gnomAD 0.00539; ESP Exome Variant Server 0.00615; gnomAD exomes 0.00789.
gnomAD v4.1: 12,342 of 1,612,122 alleles (0.77%); highest among the groups gnomAD compares: Non-Finnish European, 0.95%; 72 homozygotes.

Submission:

CeGaT Center for Human Genetics Tuebingen
Classification: Likely benign. Last evaluated: 2022-07-01. Review status: criteria provided, single submitter. Criteria: CeGaT Center For Human Genetics Tuebingen Variant Classification Criteria Version 2. Collection method: clinical testing. Allele origin: germline. Affected: yes. Observed: 1 variant allele.
Comment: CEP70: BP4, BP7, BS2